The following is an entry in ClinVar:

NM_003074.4(SMARCC1):c.760dup (p.Glu254fs)

Gene: SMARCC1 (SWI/SNF related BAF chromatin remodeling complex subunit C1; minus strand). Cytogenetic location: 3p21.31.
Variant type: Duplication.
Coding change: c.760dup on transcript NM_003074.4 (MANE Select); coding-DNA position 760, one base duplicated (G; older notation c.760dupG).
Protein change: p.Glu254fs; shifts the reading frame from glutamic acid 254.
Molecular consequence: frameshift variant.
Genome position (GRCh38, 1-based): chr3:47,714,447, C duplicated on the plus strand (G on the coding strand, the reverse complement: SMARCC1 is on the minus strand). VCF-style (leftmost placement, unchanged base first): chr3-47714446-T-TC. GRCh37 (hg19) VCF-style: chr3-47755936-T-TC.
Other names: short protein forms E254fs.
Identifiers: ClinVar variation 4989138 (VCV004989138.1).

ClinVar aggregate classification (germline): Likely pathogenic (1 of 4 stars; one submission).

Conditions:
SMARCC1-related disorder. Also called: SMARCC1-related condition.

Submission:

PreventionGenetics, part of Exact Sciences
Classification: Likely pathogenic for SMARCC1-related condition. Last evaluated: 2025-06-20. Review status: criteria provided, single submitter. Criteria: ACMG Guidelines, 2015. Collection method: clinical testing. Allele origin: germline.
Comment: The SMARCC1 c.760dupG variant is predicted to result in a frameshift and premature protein termination (p.Glu254Glyfs*21). To our knowledge, this variant has not been reported in the literature or in a large population database (gnomAD), indicating this variant is rare. Loss of function variants in SMARCC1 are expected to be pathogenic, though are noted to have incomplete penetrance (Furey et al. 2018. PubMed ID: 29983323; Rive Le Gouard et al. 2023. PubMed ID: 37285932; Hourvitz et al. 2023. PubMed ID: 37639281). This variant is interpreted as likely pathogenic.